The following is an entry in ClinVar:

ClinVar aggregate classification (germline): Pathogenic (1 of 4 stars; one submission).

Conditions:
Hereditary cancer-predisposing syndrome. Also called: Hereditary Cancer Syndrome; Hereditary neoplastic syndrome; Neoplastic Syndromes, Hereditary; Tumor predisposition. Identifiers: Orphanet 140162, MedGen C0027672, MeSH D009386, MONDO:0015356.

Submission:

Ambry Genetics
Classification: Pathogenic for Hereditary cancer-predisposing syndrome. Last evaluated: 2019-09-19. Review status: criteria provided, single submitter. Criteria: Ambry Variant Classification Scheme 2023. Collection method: clinical testing. Allele origin: germline.
Comment: The p.L2085* pathogenic mutation (also known as c.6254T>A), located in coding exon 10 of the BRCA2 gene, results from a T to A substitution at nucleotide position 6254. This changes the amino acid from a leucine to a stop codon within coding exon 10. This alteration is expected to result in loss of function by premature protein truncation or nonsense-mediated mRNA decay. As such, this alteration is interpreted as a disease-causing mutation.

NM_000059.4(BRCA2):c.6254T>A (p.Leu2085Ter)

Gene: BRCA2 (BRCA2 DNA repair associated; plus strand). Cytogenetic location: 13q13.1.
Variant type: single nucleotide variant.
Coding change: c.6254T>A on transcript NM_000059.4 (MANE Select); coding-DNA position 6254, T replaced by A.
Protein change: p.Leu2085Ter; replaces leucine 2085 with a stop codon.
Molecular consequence: nonsense.
Genome position (GRCh38, 1-based): chr13:32,340,609, T>A. VCF-style: chr13-32340609-T-A. GRCh37 (hg19) VCF-style: chr13-32914746-T-A.
Other names: c.6254T>A, p.Leu2085Ter (NM_001406719.1, NM_001406720.1); short protein forms L2085*.
Identifiers: ClinVar variation 1752456 (VCV001752456.2), dbSNP rs864622082, ClinGen allele CA387788937.